The following is an entry in ClinVar:

ClinVar aggregate classification (germline): Uncertain significance (1 of 4 stars; one submission).

Conditions:
Dilated cardiomyopathy 1W (CMD1W). Identifiers: Orphanet 154, MedGen C1969639, MONDO:0012667, OMIM 611407.

Submission:

Labcorp Genetics (formerly Invitae), Labcorp
Classification: Uncertain significance for Dilated cardiomyopathy 1W. Last evaluated: 2025-11-23. Review status: criteria provided, single submitter. Criteria: Invitae Variant Classification Sherloc (09022015). Collection method: clinical testing. Allele origin: germline.
Comment: This sequence change replaces asparagine, which is neutral and polar, with aspartic acid, which is acidic and polar, at codon 632 of the VCL protein (p.Asn632Asp). This variant is not present in population databases (gnomAD no frequency). This variant has not been reported in the literature in individuals affected with VCL-related conditions. An algorithm developed to predict the effect of missense changes on protein structure and function (PolyPhen-2) suggests that this variant is likely to be disruptive. In summary, the available evidence is currently insufficient to determine the role of this variant in disease. Therefore, it has been classified as a Variant of Uncertain Significance.

NM_014000.3(VCL):c.1894A>G (p.Asn632Asp)

Gene: VCL (vinculin; plus strand). Cytogenetic location: 10q22.2.
Variant type: single nucleotide variant.
Coding change: c.1894A>G on transcript NM_014000.3 (MANE Select); coding-DNA position 1894, A replaced by G.
Protein change: p.Asn632Asp; replaces asparagine 632 with aspartic acid.
Molecular consequence: missense variant.
Genome position (GRCh38, 1-based): chr10:74,100,969, A>G. VCF-style: chr10-74100969-A-G. GRCh37 (hg19) VCF-style: chr10-75860727-A-G.
Other names: c.1894A>G, p.Asn632Asp (NM_003373.4); short protein forms N632D.
Identifiers: ClinVar variation 4731758 (VCV004731758.1).